The following is an entry in ClinVar:

NM_001354604.2(MITF):c.1180-7A>T

Gene: MITF (melanocyte inducing transcription factor; plus strand). Cytogenetic location: 3p13.
Variant type: single nucleotide variant.
Coding change: c.1180-7A>T on transcript NM_001354604.2 (MANE Select); 7 bases into the intron before coding-DNA position 1180, A replaced by T.
Molecular consequence: intron variant.
Genome position (GRCh38, 1-based): chr3:69,964,840, A>T. VCF-style: chr3-69964840-A-T. GRCh37 (hg19) VCF-style: chr3-70013991-A-T.
Other names: c.1111-7A>T (NM_001354607.2); c.1006-7A>T (NM_001354608.2, NM_001184967.2); c.1162-7A>T (NM_198159.3); c.1177-7A>T (NM_001354605.2); c.1159-7A>T (NM_001354606.2, NM_006722.3); c.1114-7A>T (NM_198177.3); c.859-7A>T (NM_000248.4, NM_000248.3); c.841-7A>T (NM_198158.3); and 1 more.
Identifiers: ClinVar variation 2005839 (VCV002005839.6), dbSNP rs1238135509, ClinGen allele CA544006177.

ClinVar aggregate classification (germline): Likely benign. Review status: criteria provided, single submitter (1 of 4 stars). 2 submissions from 2 submitters: Likely benign (1). 1 of the submissions does not count toward it. Last evaluated 2026-01-21.

Conditions:
MITF-related disorder. Also called: MITF-related condition.
Melanoma, cutaneous malignant, susceptibility to, 8. Also called: MELANOMA AND RENAL CELL CARCINOMA, SUSCEPTIBILITY TO; Cutaneous malignant melanoma 8. Identifiers: Orphanet 293822, MedGen C3152204, MONDO:0013759, OMIM 614456.
Tietz syndrome (TADS). Also called: TIETZ ALBINISM-DEAFNESS SYNDROME; ALBINISM-DEAFNESS OF TIETZ; HYPOPIGMENTATION/DEAFNESS OF TIETZ. Identifiers: Orphanet 42665, MedGen C0391816, MONDO:0007077, OMIM 103500.
Waardenburg syndrome type 2A (WS2A). Also called: WAARDENBURG SYNDROME WITHOUT DYSTOPIA CANTHORUM. Identifiers: Orphanet 3440, MedGen C1860339, MONDO:0008671, OMIM 193510.

gnomAD v4.1: 2 of 1,613,884 alleles (0.00012%); highest among the groups gnomAD compares: Non-Finnish European, 0.00017%; no homozygotes.

Submissions (2):

Labcorp Genetics (formerly Invitae), Labcorp
Classification: Likely benign for Melanoma, cutaneous malignant, susceptibility to, 8; Waardenburg syndrome type 2A; Tietz syndrome. Last evaluated: 2026-01-21. Review status: criteria provided, single submitter. Criteria: Invitae Variant Classification Sherloc (09022015). Collection method: clinical testing. Allele origin: germline.

PreventionGenetics, part of Exact Sciences
Classification: Likely benign for MITF-related condition. Last evaluated: 2020-01-31. Review status: no assertion criteria provided. Collection method: clinical testing. Allele origin: germline. Not counted in ClinVar's aggregate classification.
Comment: This variant is classified as likely benign based on ACMG/AMP sequence variant interpretation guidelines (Richards et al. 2015 PMID: 25741868, with internal and published modifications).